The following is an entry in ClinVar:

NM_005188.4(CBL):c.1642C>G (p.Pro548Ala)

Gene: CBL (Cbl proto-oncogene; plus strand). Cytogenetic location: 11q23.3.
Variant type: single nucleotide variant.
Coding change: c.1642C>G on transcript NM_005188.4 (MANE Select); coding-DNA position 1642, C replaced by G.
Protein change: p.Pro548Ala; replaces proline 548 with alanine.
Molecular consequence: missense variant.
Genome position (GRCh38, 1-based): chr11:119,285,267, C>G. VCF-style: chr11-119285267-C-G. GRCh37 (hg19) VCF-style: chr11-119155977-C-G.
Other names: short protein forms P548A.
Identifiers: ClinVar variation 3765966 (VCV003765966.2).

ClinVar aggregate classification (germline): Uncertain significance. Review status: criteria provided, multiple submitters, no conflicts (2 of 4 stars). 2 submissions from 2 submitters: Uncertain significance (2). Last evaluated 2025-08-13.

Conditions:
Cardiovascular phenotype. Identifiers: MedGen CN230736.

gnomAD v4.1: 2 of 1,614,186 alleles (0.00012%); highest among the groups gnomAD compares: Non-Finnish European, 0.00017%; no homozygotes.

Submissions (2):

Ambry Genetics
Classification: Uncertain significance for Cardiovascular phenotype. Last evaluated: 2025-08-13. Review status: criteria provided, single submitter. Criteria: Ambry Variant Classification Scheme 2023. Collection method: clinical testing. Allele origin: germline.

GeneDx
Classification: Uncertain significance. Last evaluated: 2024-08-29. Review status: criteria provided, single submitter. Criteria: GeneDx Variant Classification Process June 2021. Collection method: clinical testing. Allele origin: germline. Affected: yes.
Comment: Not observed at significant frequency in large population cohorts (gnomAD); In silico analysis indicates that this missense variant does not alter protein structure/function; Has not been previously published as pathogenic or benign to our knowledge; This variant is associated with the following publications: (PMID: 20619386)